The following is an entry in ClinVar:

ClinVar aggregate classification (germline): Uncertain significance (1 of 4 stars; one submission).

Submission:

Mayo Clinic Laboratories, Mayo Clinic
Classification: Uncertain significance. Last evaluated: 2025-09-30. Review status: criteria provided, single submitter. Criteria: ACMG Guidelines, 2015. Collection method: clinical testing. Allele origin: germline. Observed: 1 variant allele.
Comment: PM2_supporting

NM_000153.4(GALC):c.686T>A (p.Leu229His)

Gene: GALC (galactosylceramidase; minus strand). Cytogenetic location: 14q31.3.
Variant type: single nucleotide variant.
Coding change: c.686T>A on transcript NM_000153.4 (MANE Select); coding-DNA position 686, T replaced by A.
Protein change: p.Leu229His; replaces leucine 229 with histidine.
Molecular consequence: missense variant. On other transcripts: non-coding transcript variant (1).
Genome position (GRCh38, 1-based): chr14:87,976,424, A>T on the plus strand (T>A on the coding strand, the complement: GALC is on the minus strand). VCF-style: chr14-87976424-A-T. GRCh37 (hg19) VCF-style: chr14-88442768-A-T.
Other names: p.Leu229His; c.617T>A, p.Leu206His (NM_001201401.2); c.608T>A, p.Leu203His (NM_001201402.2); c.518T>A, p.Leu173His (NM_001424071.1, NM_001424072.1, NM_001424073.1); c.338T>A, p.Leu113His (NM_001424074.1, NM_001424075.1); c.53T>A, p.Leu18His (NM_001424076.1, NM_001424077.1); short protein forms L173H, L18H, L203H, L229H, L206H, L113H.
Identifiers: ClinVar variation 4541895 (VCV004541895.1).
Genomic context (GRCh38, chr14:87,976,424, plus strand): 5'-ACATCAACCACCTTGAAGAGTTCGGCATCAAGGAGCATGGATGCAGAGATGGACTCCCAG[A>T]GATTATCACTTGCTATGATTTTCACTCGCTGGAGACCTTGATAATTCAGCATTTTTCTTA-3'
Protein context (NP_000144.2, residues 219-239): QRVKIIASDN[Leu229His]WESISASMLL